The following is an entry in ClinVar:

NM_014141.6(CNTNAP2):c.2279C>T (p.Ser760Leu)

Gene: CNTNAP2 (contactin associated protein 2; plus strand). Cytogenetic location: 7q35.
Variant type: single nucleotide variant.
Coding change: c.2279C>T on transcript NM_014141.6 (MANE Select); coding-DNA position 2279, C replaced by T.
Protein change: p.Ser760Leu; replaces serine 760 with leucine.
Molecular consequence: missense variant.
Genome position (GRCh38, 1-based): chr7:147,977,885, C>T. VCF-style: chr7-147977885-C-T. GRCh37 (hg19) VCF-style: chr7-147674977-C-T.
Other names: short protein forms S760L.
Identifiers: ClinVar variation 1698634 (VCV001698634.1), dbSNP rs1585058146, ClinGen allele CA369927600.

ClinVar aggregate classification (germline): Uncertain significance (1 of 4 stars; one submission).

gnomAD v4.1: 1 of 1,614,092 alleles (0.000062%); highest among the groups gnomAD compares: Non-Finnish European, 0.000085%; no homozygotes.

Submission:

Women's Health and Genetics/Laboratory Corporation of America, LabCorp
Classification: Uncertain significance. Last evaluated: 2022-06-24. Review status: criteria provided, single submitter. Criteria: LabCorp Variant Classification Summary - May 2015. Collection method: clinical testing. Allele origin: germline.
Comment: Variant summary: CNTNAP2 c.2279C>T (p.Ser760Leu) results in a non-conservative amino acid change in the encoded protein sequence. Three of five in-silico tools predict a benign effect of the variant on protein function. The variant was absent in 251414 control chromosomes (gnomAD). The available data on variant occurrences in the general population are insufficient to allow any conclusion about variant significance. To our knowledge, no occurrence of c.2279C>T in individuals affected with Autism, Susceptibility 15 and no experimental evidence demonstrating its impact on protein function have been reported. No clinical diagnostic laboratories have submitted clinical-significance assessments for this variant to ClinVar after 2014. Based on the evidence outlined above, the variant was classified as uncertain significance.